The following is an entry in ClinVar:

ClinVar aggregate classification (germline): Uncertain significance (1 of 4 stars; one submission).

Conditions:
SLC25A13-related disorder. Also called: SLC25A13-related condition.

gnomAD v4.1: 9 of 1,613,966 alleles (0.00056%); highest among the groups gnomAD compares: Non-Finnish European, 0.00076%; no homozygotes.

Submission:

PreventionGenetics, part of Exact Sciences
Classification: Uncertain significance for SLC25A13-related condition. Last evaluated: 2025-09-03. Review status: criteria provided, single submitter. Criteria: ACMG Guidelines, 2015. Collection method: clinical testing. Allele origin: germline.
Comment: The SLC25A13 c.643G>A variant is predicted to result in the amino acid substitution p.Val215Ile. To our knowledge, this variant has not been reported in the literature. This variant is reported in 0.0018% of alleles in individuals of European (Non-Finnish) descent in gnomAD. At this time, the clinical significance of this variant is uncertain due to the absence of conclusive functional and genetic evidence.

NM_014251.3(SLC25A13):c.643G>A (p.Val215Ile)

Gene: SLC25A13 (solute carrier family 25 member 13; minus strand). Cytogenetic location: 7q21.3.
Variant type: single nucleotide variant.
Coding change: c.643G>A on transcript NM_014251.3 (MANE Select); coding-DNA position 643, G replaced by A.
Protein change: p.Val215Ile; replaces valine 215 with isoleucine.
Molecular consequence: missense variant. On other transcripts: non-coding transcript variant (1).
Genome position (GRCh38, 1-based): chr7:96,191,220, C>T on the plus strand (G>A on the coding strand, the complement: SLC25A13 is on the minus strand). VCF-style: chr7-96191220-C-T. GRCh37 (hg19) VCF-style: chr7-95820532-C-T.
Other names: c.643G>A, p.Val215Ile (NM_001160210.2); short protein forms V215I.
Identifiers: ClinVar variation 4990349 (VCV004990349.1).